The following is an entry in ClinVar:

NM_001005242.3(PKP2):c.1170+5G>T

Gene: PKP2 (plakophilin 2; minus strand). Cytogenetic location: 12p11.21.
Variant type: single nucleotide variant.
Coding change: c.1170+5G>T on transcript NM_001005242.3 (MANE Select); 5 bases into the intron after coding-DNA position 1170, G replaced by T.
Molecular consequence: intron variant.
Genome position (GRCh38, 1-based): chr12:32,868,922, C>A on the plus strand (G>T on the coding strand, the complement: PKP2 is on the minus strand). VCF-style: chr12-32868922-C-A. GRCh37 (hg19) VCF-style: chr12-33021856-C-A.
Other names: c.1170+5G>T (NM_004572.4).
Identifiers: ClinVar variation 406547 (VCV000406547.6), dbSNP rs794729105, ClinGen allele CA16614132.

ClinVar aggregate classification (germline): Uncertain significance (1 of 4 stars; one submission).

Conditions:
Arrhythmogenic right ventricular dysplasia 9 (ARVD9). Also called: Arrhythmogenic Right Ventricular Dysplasia/Cardiomyopathy 9; ARRHYTHMOGENIC RIGHT VENTRICULAR DYSPLASIA, FAMILIAL, 9. Identifiers: MedGen C1836906, MONDO:0012180, OMIM 609040.

gnomAD v4.1: 1 of 1,612,318 alleles (0.000062%); highest among the groups gnomAD compares: Non-Finnish European, 0.000085%; no homozygotes.

Submission:

Labcorp Genetics (formerly Invitae), Labcorp
Classification: Uncertain significance for Arrhythmogenic right ventricular dysplasia 9. Last evaluated: 2024-12-08. Review status: criteria provided, single submitter. Criteria: Invitae Variant Classification Sherloc (09022015). Collection method: clinical testing. Allele origin: germline.
Comment: This sequence change falls in intron 4 of the PKP2 gene. It does not directly change the encoded amino acid sequence of the PKP2 protein. It affects a nucleotide within the consensus splice site. The frequency data for this variant in the population databases is considered unreliable, as metrics indicate poor data quality at this position in the gnomAD database. This variant has not been reported in the literature in individuals affected with PKP2-related conditions. ClinVar contains an entry for this variant (Variation ID: 406547). Variants that disrupt the consensus splice site are a relatively common cause of aberrant splicing (PMID: 17576681, 9536098). Algorithms developed to predict the effect of sequence changes on RNA splicing suggest that this variant may disrupt the consensus splice site. In summary, the available evidence is currently insufficient to determine the role of this variant in disease. Therefore, it has been classified as a Variant of Uncertain Significance.

Literature cited by the submitters: PubMed 17576681; PubMed 9536098.